The following is an entry in ClinVar:

NM_001101.5(ACTB):c.586C>T (p.Arg196Cys)

Gene: ACTB (actin beta; minus strand). Cytogenetic location: 7p22.1.
Variant type: single nucleotide variant.
Coding change: c.586C>T on transcript NM_001101.5 (MANE Select); coding-DNA position 586, C replaced by T.
Protein change: p.Arg196Cys; replaces arginine 196 with cysteine.
Molecular consequence: missense variant.
Genome position (GRCh38, 1-based): chr7:5,528,497, G>A on the plus strand (C>T on the coding strand, the complement: ACTB is on the minus strand). VCF-style: chr7-5528497-G-A. GRCh37 (hg19) VCF-style: chr7-5568128-G-A.
Other names: c.586C>T, p.Arg196Cys (LRG_132t1); short protein forms R196C.
Identifiers: ClinVar variation 29600 (VCV000029600.30), dbSNP rs281875333, ClinGen allele CA219938.
Genomic context (GRCh38, chr7:5,528,497, plus strand): 5'-GCTTCTCCTTAATGTCACGCACGATTTCCCGCTCGGCCGTGGTGGTGAAGCTGTAGCCGC[G>A]CTCGGTGAGGATCTTCATGAGGTAGTCAGTCAGGTCCCGGCCAGCCAGGTCCAGACGCAG-3'
Protein context (NP_001092.1, residues 186-206): TDYLMKILTE[Arg196Cys]GYSFTTTAER

ClinVar aggregate classification (germline): Pathogenic. Review status: criteria provided, multiple submitters, no conflicts (2 of 4 stars). 7 submissions from 7 submitters: Pathogenic (3). 4 of the submissions do not count toward it. Last evaluated 2024-07-01.

Conditions:
Baraitser-Winter syndrome 1 (BRWS1). Also called: BARAITSER-WINTER SYNDROME 1, ATYPICAL; PACHYGYRIA, MENTAL RETARDATION, EPILEPSY, AND CHARACTERISTIC FACIES; MENTAL RETARDATION WITH EPILEPSY AND CHARACTERISTIC FACIES; Cerebrofrontofacial syndrome. Identifiers: Orphanet 2649, Orphanet 2995, MedGen C1855722, MONDO:0009470, OMIM 243310.

Submissions (7):

CeGaT Center for Human Genetics Tuebingen
Classification: Pathogenic. Last evaluated: 2024-07-01. Review status: criteria provided, single submitter. Criteria: CeGaT Center For Human Genetics Tuebingen Variant Classification Criteria Version 2. Collection method: clinical testing. Allele origin: germline. Affected: yes. Observed: 1 variant allele.
Comment: ACTB: PM1, PM2, PM5, PS2:Moderate, PS4:Moderate, PP2, PP3

Labcorp Genetics (formerly Invitae), Labcorp
Classification: Pathogenic for Baraitser-Winter syndrome 1. Last evaluated: 2022-08-23. Review status: criteria provided, single submitter. Criteria: Invitae Variant Classification Sherloc (09022015). Collection method: clinical testing. Allele origin: germline.
Comment: Algorithms developed to predict the effect of missense changes on protein structure and function (SIFT, PolyPhen-2, Align-GVGD) all suggest that this variant is likely to be disruptive. For these reasons, this variant has been classified as Pathogenic. Algorithms developed to predict the effect of sequence changes on RNA splicing suggest that this variant may create or strengthen a splice site. ClinVar contains an entry for this variant (Variation ID: 29600). This missense change has been observed in individual(s) with Baraitser-Winter syndrome (PMID: 22366783, 23756437, 25052316). In at least one individual the variant was observed to be de novo. This variant is not present in population databases (gnomAD no frequency). This sequence change replaces arginine, which is basic and polar, with cysteine, which is neutral and slightly polar, at codon 196 of the ACTB protein (p.Arg196Cys).

GeneDx
Classification: Pathogenic. Last evaluated: 2020-07-21. Review status: criteria provided, single submitter. Criteria: GeneDx Variant Classification Process June 2021. Collection method: clinical testing. Allele origin: germline. Affected: yes.
Comment: Not observed in large population cohorts (Lek et al., 2016); In silico analysis supports that this missense variant has a deleterious effect on protein structure/function; Missense variants in this gene are often considered pathogenic (Stenson et al., 2014); This variant is associated with the following publications: (PMID: 22366783, 32506774, 23756437, 25052316, 24211661, 27625340, 30733661, 11311002)

Department of Genetics, Robert DEBRE University Hospital
Classification: Pathogenic for Iris coloboma with ptosis, hypertelorism, and mental retardation. Last evaluated: 2014-04-15. Review status: no assertion criteria provided. Collection method: clinical testing. Allele origin: germline. Affected: yes. Observed: 5 variant alleles. Not counted in ClinVar's aggregate classification.

OMIM
Classification: Pathogenic for BARAITSER-WINTER SYNDROME 1. Last evaluated: 2014-02-01. Review status: no assertion criteria provided. Collection method: literature only. Allele origin: germline. Not counted in ClinVar's aggregate classification.

2nd Department of Obstetrics and Gynecology, National and Kapodistrian University of Athens
Classification: Pathogenic for Baraitser-Winter syndrome 1. Review status: no assertion criteria provided. Collection method: clinical testing. Allele origin: de novo. Affected: yes. Observed: 1 variant allele, 1 heterozygote. Not counted in ClinVar's aggregate classification.

UniProtKB/Swiss-Prot
No classification provided. Review status: no classification provided. Collection method: not provided. Allele origin: not provided. Not counted in ClinVar's aggregate classification.

Literature cited by the submitters: PubMed 22366783 (cited by Labcorp Genetics (formerly Invitae), Labcorp and OMIM); PubMed 23756437 (cited by Labcorp Genetics (formerly Invitae), Labcorp and OMIM); PubMed 25052316 (cited by Labcorp Genetics (formerly Invitae), Labcorp and Department of Genetics, Robert DEBRE University Hospital); PubMed 11311002 (cited by OMIM).